The following is an entry in ClinVar:

NM_025132.4(WDR19):c.1623C>G (p.Tyr541Ter)

Gene: WDR19 (WD repeat domain 19; plus strand). Cytogenetic location: 4p14.
Variant type: single nucleotide variant.
Coding change: c.1623C>G on transcript NM_025132.4 (MANE Select); coding-DNA position 1623, C replaced by G.
Protein change: p.Tyr541Ter; replaces tyrosine 541 with a stop codon.
Molecular consequence: nonsense.
Genome position (GRCh38, 1-based): chr4:39,225,027, C>G. VCF-style: chr4-39225027-C-G. GRCh37 (hg19) VCF-style: chr4-39226647-C-G.
Other names: c.1143C>G, p.Tyr381Ter (NM_001317924.2); short protein forms Y541*, Y381*.
Identifiers: ClinVar variation 558759 (VCV000558759.12), dbSNP rs771148519, ClinGen allele CA2891893.

ClinVar aggregate classification (germline): Pathogenic/Likely pathogenic. Review status: criteria provided, multiple submitters, no conflicts (2 of 4 stars). 4 submissions from 4 submitters: Pathogenic (3); Likely pathogenic (1). Last evaluated 2024-04-23.

Conditions:
WDR19-related disorder. Also called: WDR19-related disorders; WDR19-related condition. Identifiers: MedGen CN380161.
Spermatogenic failure 72 (SPGF72). Identifiers: MedGen C5676980, MONDO:0030809, OMIM 619867.
Senior-Loken syndrome 8 (SLSN8). Identifiers: Orphanet 3156, MedGen C4225376, MONDO:0014579, OMIM 616307.
Asphyxiating thoracic dystrophy 5 (SRTD5). Also called: SHORT-RIB THORACIC DYSPLASIA 5 WITH OR WITHOUT POLYDACTYLY; SHORT-RIB THORACIC DYSPLASIA 5 WITHOUT POLYDACTYLY. Identifiers: Orphanet 474, MedGen C3280598, MONDO:0013717, OMIM 614376.
Nephronophthisis 13 (NPHP13). Identifiers: Orphanet 655, MedGen C3280612, MONDO:0013718, OMIM 614377.
Cranioectodermal dysplasia 4 (CED4). Identifiers: Orphanet 1515, MedGen C3280616, MONDO:0013719, OMIM 614378.
Cranioectodermal dysplasia. Also called: Cranioectoderma; SENSENBRENNER SYNDROME. Identifiers: Orphanet 1515, MedGen C4551571, MONDO:0009032.

Allele frequency attached by ClinVar (database versions not stated): gnomAD 0.00001; gnomAD exomes 0.00001 and 0.00002; TOPMed 0.00002; ExAC 0.00006.
gnomAD v4.1: 16 of 1,558,786 alleles (0.001%); highest among the groups gnomAD compares: Admixed American, 0.008%; no homozygotes.

Submissions (4):

Fulgent Genetics
Classification: Pathogenic for Asphyxiating thoracic dystrophy 5; Nephronophthisis 13; Cranioectodermal dysplasia 4; Senior-Loken syndrome 8; Spermatogenic failure 72. Last evaluated: 2024-04-23. Review status: criteria provided, single submitter. Criteria: ACMG Guidelines, 2015. Collection method: clinical testing. Allele origin: germline.

Labcorp Genetics (formerly Invitae), Labcorp
Classification: Pathogenic for Senior-Loken syndrome 8; Asphyxiating thoracic dystrophy 5. Last evaluated: 2023-01-07. Review status: criteria provided, single submitter. Criteria: Invitae Variant Classification Sherloc (09022015). Collection method: clinical testing. Allele origin: germline.
Comment: This sequence change creates a premature translational stop signal (p.Tyr541*) in the WDR19 gene. It is expected to result in an absent or disrupted protein product. Loss-of-function variants in WDR19 are known to be pathogenic (PMID: 22019273, 23559409, 23683095, 26275793, 27241786, 29068549). This variant is present in population databases (rs771148519, gnomAD 0.004%). For these reasons, this variant has been classified as Pathogenic. ClinVar contains an entry for this variant (Variation ID: 558759). This variant has not been reported in the literature in individuals affected with WDR19-related conditions.

Blueprint Genetics
Classification: Likely pathogenic for WDR19-related disorders. Last evaluated: 2022-03-29. Review status: criteria provided, single submitter. Criteria: ACMG Guidelines, 2015. Collection method: clinical testing. Allele origin: germline. Affected: yes. Observed: 3 variant alleles.

Rare Disease Group, Clinical Genetics, Karolinska Institutet
Classification: Pathogenic for Cranioectodermal dysplasia. Last evaluated: 2018-05-01. Review status: criteria provided, single submitter. Criteria: ACMG Guidelines, 2015. Collection method: research. Allele origin: unknown. Inheritance: Autosomal recessive inheritance. Affected: yes.

Literature cited by the submitters: PubMed 22019273 (cited by Labcorp Genetics (formerly Invitae), Labcorp); PubMed 23559409 (cited by Labcorp Genetics (formerly Invitae), Labcorp); PubMed 23683095 (cited by Labcorp Genetics (formerly Invitae), Labcorp); PubMed 26275793 (cited by Labcorp Genetics (formerly Invitae), Labcorp); PubMed 27241786 (cited by Labcorp Genetics (formerly Invitae), Labcorp); PubMed 29068549 (cited by Labcorp Genetics (formerly Invitae), Labcorp).